The following is an entry in ClinVar:

NM_018979.4(WNK1):c.3182C>T (p.Pro1061Leu)

Gene: WNK1 (WNK lysine deficient protein kinase 1; plus strand). Cytogenetic location: 12p13.33.
Variant type: single nucleotide variant.
Coding change: c.3182C>T on transcript NM_018979.4 (MANE Select); coding-DNA position 3182, C replaced by T.
Protein change: p.Pro1061Leu; replaces proline 1061 with leucine.
Molecular consequence: missense variant.
Genome position (GRCh38, 1-based): chr12:881,762, C>T. VCF-style: chr12-881762-C-T. GRCh37 (hg19) VCF-style: chr12-990928-C-T.
Other names: c.3962C>T, p.Pro1321Leu (NM_001184985.2); c.2441C>T, p.Pro814Leu (NM_014823.3); c.3938C>T, p.Pro1313Leu (NM_213655.5); short protein forms P1061L, P814L, P1313L, P1321L.
Identifiers: ClinVar variation 1351780 (VCV001351780.9), dbSNP rs756270744, ClinGen allele CA6382684.

ClinVar aggregate classification (germline): Uncertain significance. Review status: criteria provided, multiple submitters, no conflicts (2 of 4 stars). 2 submissions from 2 submitters: Uncertain significance (2). Last evaluated 2025-09-04.

Conditions:
Neuropathy, hereditary sensory and autonomic, type 2A (HSAN2A). Also called: WNK1-Related HSAN2 (HSAN2A); MORVAN DISEASE; NEUROPATHY, CONGENITAL SENSORY; NEUROPATHY, HEREDITARY SENSORY RADICULAR, AUTOSOMAL RECESSIVE; NEUROPATHY, HEREDITARY SENSORY, TYPE IIA; NEUROPATHY, PROGRESSIVE SENSORY, OF CHILDREN. Identifiers: Orphanet 970, MedGen C2752089, MONDO:0024309, OMIM 201300.
Pseudohypoaldosteronism type 2C (PHA2C). Also called: Pseudohypoaldosteronism Type IIC. Identifiers: Orphanet 757, Orphanet 88940, MedGen C1840391, MONDO:0013778, OMIM 614492.

Allele frequency attached by ClinVar (database versions not stated): ExAC 0.00002; gnomAD exomes 0.00004 and 0.00001; TOPMed below 0.00001; gnomAD 0.00001.
gnomAD v4.1: 58 of 1,614,054 alleles (0.0036%); highest among the groups gnomAD compares: Non-Finnish European, 0.0045%; no homozygotes.

Submissions (2):

Labcorp Genetics (formerly Invitae), Labcorp
Classification: Uncertain significance for Neuropathy, hereditary sensory and autonomic, type 2A; Pseudohypoaldosteronism type 2C. Last evaluated: 2025-09-04. Review status: criteria provided, single submitter. Criteria: Invitae Variant Classification Sherloc (09022015). Collection method: clinical testing. Allele origin: germline.
Comment: This sequence change replaces proline, which is neutral and non-polar, with leucine, which is neutral and non-polar, at codon 1313 of the WNK1 protein (p.Pro1313Leu). This variant is present in population databases (rs756270744, gnomAD 0.006%). This variant has not been reported in the literature in individuals affected with WNK1-related conditions. ClinVar contains an entry for this variant (Variation ID: 1351780). Invitae Evidence Modeling of protein sequence and biophysical properties (such as structural, functional, and spatial information, amino acid conservation, physicochemical variation, residue mobility, and thermodynamic stability) indicates that this missense variant is not expected to disrupt WNK1 protein function with a negative predictive value of 95%. In summary, the available evidence is currently insufficient to determine the role of this variant in disease. Therefore, it has been classified as a Variant of Uncertain Significance.

Fulgent Genetics
Classification: Uncertain significance for Neuropathy, hereditary sensory and autonomic, type 2A; Pseudohypoaldosteronism type 2C. Last evaluated: 2024-02-16. Review status: criteria provided, single submitter. Criteria: ACMG Guidelines, 2015. Collection method: clinical testing. Allele origin: germline.